The following is an entry in ClinVar:

NM_014580.5(SLC2A8):c.578C>T (p.Ser193Phe)

Gene: SLC2A8 (solute carrier family 2 member 8; plus strand). Cytogenetic location: 9q33.3.
Variant type: single nucleotide variant.
Coding change: c.578C>T on transcript NM_014580.5 (MANE Select); coding-DNA position 578, C replaced by T.
Protein change: p.Ser193Phe; replaces serine 193 with phenylalanine.
Molecular consequence: missense variant.
Genome position (GRCh38, 1-based): chr9:127,402,608, C>T. VCF-style: chr9-127402608-C-T. GRCh37 (hg19) VCF-style: chr9-130164887-C-T.
Other names: c.578C>T, p.Ser193Phe (NM_001271711.2); c.89C>T, p.Ser30Phe (NM_001271712.2); short protein forms S193F, S30F.
Identifiers: ClinVar variation 2659501 (VCV002659501.24), dbSNP rs62637572, ClinGen allele CA5245142.

ClinVar aggregate classification (germline): Benign (1 of 4 stars; one submission).

Allele frequency attached by ClinVar (database versions not stated): gnomAD exomes 0.00092; TOPMed 0.00099; gnomAD 0.00107; ESP Exome Variant Server 0.00108; ExAC 0.00291.
gnomAD v4.1: 1,581 of 1,595,962 alleles (0.099%); highest among the groups gnomAD compares: Middle Eastern, 0.54%; 23 homozygotes.

Submission:

CeGaT Center for Human Genetics Tuebingen
Classification: Benign. Last evaluated: 2022-05-01. Review status: criteria provided, single submitter. Criteria: CeGaT Center For Human Genetics Tuebingen Variant Classification Criteria Version 2. Collection method: clinical testing. Allele origin: germline. Affected: yes. Observed: 1 variant allele.
Comment: SLC2A8: BP4, BS1, BS2